The following is an entry in ClinVar:

NM_000430.4(PAFAH1B1):c.690C>T (p.Phe230=)

Gene: PAFAH1B1 (platelet activating factor acetylhydrolase 1b regulatory subunit 1; plus strand). Cytogenetic location: 17p13.3.
Variant type: single nucleotide variant.
Coding change: c.690C>T on transcript NM_000430.4 (MANE Select); coding-DNA position 690, C replaced by T.
Protein change: p.Phe230=; no amino-acid change (phenylalanine 230 retained).
Molecular consequence: synonymous variant.
Genome position (GRCh38, 1-based): chr17:2,674,078, C>T. VCF-style: chr17-2674078-C-T. GRCh37 (hg19) VCF-style: chr17-2577372-C-T.
Identifiers: ClinVar variation 515871 (VCV000515871.8), dbSNP rs1351403324, ClinGen allele CA497473970.

ClinVar aggregate classification (germline): Likely benign. Review status: criteria provided, multiple submitters, no conflicts (2 of 4 stars). 2 submissions from 2 submitters: Likely benign (2). Last evaluated 2022-07-05.

Allele frequency attached by ClinVar (database versions not stated): gnomAD exomes below 0.00001; gnomAD 0.00002; TOPMed 0.00002.
gnomAD v4.1: 4 of 1,612,822 alleles (0.00025%); highest among the groups gnomAD compares: African/African-American, 0.0053%; no homozygotes.

Submissions (2):

Labcorp Genetics (formerly Invitae), Labcorp
Classification: Likely benign. Last evaluated: 2022-07-05. Review status: criteria provided, single submitter. Criteria: Invitae Variant Classification Sherloc (09022015). Collection method: clinical testing. Allele origin: germline.

GeneDx
Classification: Likely benign. Last evaluated: 2018-02-28. Review status: criteria provided, single submitter. Criteria: GeneDx Variant Classification (06012015). Collection method: clinical testing. Allele origin: germline. Affected: yes.
Comment: This variant is considered likely benign or benign based on one or more of the following criteria: it is a conservative change, it occurs at a poorly conserved position in the protein, it is predicted to be benign by multiple in silico algorithms, and/or has population frequency not consistent with disease.